The following is an entry in ClinVar:

NM_003072.5(SMARCA4):c.3440C>T (p.Ser1147Phe)

Gene: SMARCA4 (SWI/SNF related BAF chromatin remodeling complex subunit ATPase 4; plus strand). Cytogenetic location: 19p13.2.
Variant type: single nucleotide variant.
Coding change: c.3440C>T on transcript NM_003072.5 (MANE Select); coding-DNA position 3440, C replaced by T.
Protein change: p.Ser1147Phe; replaces serine 1147 with phenylalanine.
Molecular consequence: missense variant. On other transcripts: non-coding transcript variant (1).
Genome position (GRCh38, 1-based): chr19:11,030,787, C>T. VCF-style: chr19-11030787-C-T. GRCh37 (hg19) VCF-style: chr19-11141463-C-T.
Other names: c.3440C>T, p.Ser1147Phe (NM_001128849.3, NM_001374457.1, NM_001387283.1 and 6 more transcripts); short protein forms S1147F.
Identifiers: ClinVar variation 1731466 (VCV001731466.2), dbSNP rs1224621923, ClinGen allele CA404062804.

ClinVar aggregate classification (germline): Uncertain significance (1 of 4 stars; one submission).

Conditions:
Hereditary cancer-predisposing syndrome. Also called: Neoplastic Syndromes, Hereditary; Tumor predisposition; Hereditary Cancer Syndrome; Hereditary neoplastic syndrome. Identifiers: Orphanet 140162, MedGen C0027672, MeSH D009386, MONDO:0015356.

Submission:

Ambry Genetics
Classification: Uncertain significance for Hereditary cancer-predisposing syndrome. Last evaluated: 2020-09-09. Review status: criteria provided, single submitter. Criteria: Ambry Variant Classification Scheme 2023. Collection method: clinical testing. Allele origin: germline.
Comment: The p.S1147F variant (also known as c.3440C>T), located in coding exon 24 of the SMARCA4 gene, results from a C to T substitution at nucleotide position 3440. The serine at codon 1147 is replaced by phenylalanine, an amino acid with highly dissimilar properties. This amino acid position is highly conserved in available vertebrate species. In addition, the in silico prediction for this alteration is inconclusive. Since supporting evidence is limited at this time, the clinical significance of this alteration remains unclear.